The following is an entry in ClinVar:

ClinVar aggregate classification (germline): Uncertain significance (1 of 4 stars; one submission).

Conditions:
Hereditary cancer-predisposing syndrome. Also called: Tumor predisposition; Hereditary neoplastic syndrome; Hereditary Cancer Syndrome; Neoplastic Syndromes, Hereditary. Identifiers: Orphanet 140162, MedGen C0027672, MeSH D009386, MONDO:0015356.

gnomAD v4.1: 5 of 1,614,042 alleles (0.00031%); highest among the groups gnomAD compares: Non-Finnish European, 0.00042%; no homozygotes.

Submission:

Ambry Genetics
Classification: Uncertain significance for Hereditary cancer-predisposing syndrome. Last evaluated: 2024-02-16. Review status: criteria provided, single submitter. Criteria: Ambry Variant Classification Scheme 2023. Collection method: clinical testing. Allele origin: germline.
Comment: The p.Q246E variant (also known as c.736C>G), located in coding exon 7 of the EPCAM gene, results from a C to G substitution at nucleotide position 736. The glutamine at codon 246 is replaced by glutamic acid, an amino acid with highly similar properties. This amino acid position is conserved. In addition, this alteration is predicted to be tolerated by in silico analysis. Based on the available evidence, the clinical significance of this alteration remains unclear.

NM_002354.3(EPCAM):c.736C>G (p.Gln246Glu)

Gene: EPCAM (epithelial cell adhesion molecule; plus strand). Cytogenetic location: 2p21.
Variant type: single nucleotide variant.
Coding change: c.736C>G on transcript NM_002354.3 (MANE Select); coding-DNA position 736, C replaced by G.
Protein change: p.Gln246Glu; replaces glutamine 246 with glutamic acid.
Molecular consequence: missense variant.
Genome position (GRCh38, 1-based): chr2:47,379,847, C>G. VCF-style: chr2-47379847-C-G. GRCh37 (hg19) VCF-style: chr2-47606986-C-G.
Other names: short protein forms Q246E.
Identifiers: ClinVar variation 3222135 (VCV003222135.1), dbSNP rs2103759009, ClinGen allele CA346724534.